The following is an entry in ClinVar:

NM_020699.4(GATAD2B):c.706C>T (p.Pro236Ser)

Gene: GATAD2B (GATA zinc finger domain containing 2B; minus strand). Cytogenetic location: 1q21.3.
Variant type: single nucleotide variant.
Coding change: c.706C>T on transcript NM_020699.4 (MANE Select); coding-DNA position 706, C replaced by T.
Protein change: p.Pro236Ser; replaces proline 236 with serine.
Molecular consequence: missense variant.
Genome position (GRCh38, 1-based): chr1:153,818,063, G>A on the plus strand (C>T on the coding strand, the complement: GATAD2B is on the minus strand). VCF-style: chr1-153818063-G-A. GRCh37 (hg19) VCF-style: chr1-153790539-G-A.
Other names: c.706C>T (NM_020699.2); short protein forms P236S.
Identifiers: ClinVar variation 3010605 (VCV003010605.4), dbSNP rs1674544677, ClinGen allele CA342531556.

ClinVar aggregate classification (germline): Uncertain significance. Review status: criteria provided, multiple submitters, no conflicts (2 of 4 stars). 2 submissions from 2 submitters: Uncertain significance (2). Last evaluated 2025-01-17.

Conditions:
Inborn genetic diseases. Identifiers: MedGen C0950123, MeSH D030342.

Allele frequency attached by ClinVar (database versions not stated): gnomAD 0.00001; gnomAD exomes 0.00001.
gnomAD v4.1: 9 of 1,611,578 alleles (0.00056%); highest among the groups gnomAD compares: African/African-American, 0.0027%; no homozygotes.

Submissions (2):

Ambry Genetics
Classification: Uncertain significance for Inborn genetic diseases. Last evaluated: 2025-01-17. Review status: criteria provided, single submitter. Criteria: Ambry Variant Classification Scheme 2023. Collection method: clinical testing. Allele origin: germline.

Labcorp Genetics (formerly Invitae), Labcorp
Classification: Uncertain significance. Last evaluated: 2024-10-24. Review status: criteria provided, single submitter. Criteria: Invitae Variant Classification Sherloc (09022015). Collection method: clinical testing. Allele origin: germline.
Comment: This sequence change replaces proline, which is neutral and non-polar, with serine, which is neutral and polar, at codon 236 of the GATAD2B protein (p.Pro236Ser). This variant is not present in population databases (gnomAD no frequency). This variant has not been reported in the literature in individuals affected with GATAD2B-related conditions. Invitae Evidence Modeling of protein sequence and biophysical properties (such as structural, functional, and spatial information, amino acid conservation, physicochemical variation, residue mobility, and thermodynamic stability) indicates that this missense variant is not expected to disrupt GATAD2B protein function with a negative predictive value of 80%. In summary, the available evidence is currently insufficient to determine the role of this variant in disease. Therefore, it has been classified as a Variant of Uncertain Significance.